The following is an entry in ClinVar:

ClinVar aggregate classification (germline): Conflicting classifications of pathogenicity. Review status: criteria provided, conflicting classifications (1 of 4 stars). 5 submissions from 4 submitters: Uncertain significance (4); Benign (1). Last evaluated 2022-12-21.

Conditions:
Inborn genetic diseases. Identifiers: MedGen C0950123, MeSH D030342.
Retinitis pigmentosa (RP). Identifiers: Orphanet 791, MedGen C0035334, MeSH D012174, MONDO:0019200, OMIM 268000. Inheritance: Autosomal dominant, autosomal recessive and X linked inheritance.
Congenital stationary night blindness autosomal dominant 2. Also called: NIGHT BLINDNESS, CONGENITAL STATIONARY, RAMBUSCH TYPE. Identifiers: Orphanet 215, MedGen C1876182, MONDO:0008099, OMIM 163500.

Allele frequency attached by ClinVar (database versions not stated): gnomAD 0.00002 and 0.00003; TOPMed 0.00002; gnomAD exomes 0.00003; ESP Exome Variant Server 0.00008; ExAC 0.00014.
gnomAD v4.1: 41 of 1,561,874 alleles (0.0026%); highest among the groups gnomAD compares: South Asian, 0.0035%; no homozygotes.

Submissions (5):

Ambry Genetics
Classification: Uncertain significance for Inborn genetic diseases. Last evaluated: 2022-12-21. Review status: criteria provided, single submitter. Criteria: Ambry Variant Classification Scheme 2023. Collection method: clinical testing. Allele origin: germline.

Labcorp Genetics (formerly Invitae), Labcorp
Classification: Uncertain significance. Last evaluated: 2022-09-13. Review status: criteria provided, single submitter. Criteria: Invitae Variant Classification Sherloc (09022015). Collection method: clinical testing. Allele origin: germline.
Comment: In summary, the available evidence is currently insufficient to determine the role of this variant in disease. Therefore, it has been classified as a Variant of Uncertain Significance. Advanced modeling of protein sequence and biophysical properties (such as structural, functional, and spatial information, amino acid conservation, physicochemical variation, residue mobility, and thermodynamic stability) has been performed at Invitae for this missense variant, however the output from this modeling did not meet the statistical confidence thresholds required to predict the impact of this variant on PDE6B protein function. ClinVar contains an entry for this variant (Variation ID: 843645). This variant has not been reported in the literature in individuals affected with PDE6B-related conditions. This variant is present in population databases (rs369980987, gnomAD 0.007%). This sequence change replaces threonine, which is neutral and polar, with methionine, which is neutral and non-polar, at codon 568 of the PDE6B protein (p.Thr568Met).

Blueprint Genetics
Classification: Uncertain significance. Last evaluated: 2022-04-08. Review status: criteria provided, single submitter. Criteria: ACMG Guidelines, 2015. Collection method: clinical testing. Allele origin: germline.

Illumina Laboratory Services, Illumina
Classification: Uncertain significance for Retinitis pigmentosa. Last evaluated: 2018-01-15. Review status: criteria provided, single submitter. Criteria: ICSL Variant Classification Criteria 13 December 2019. Collection method: clinical testing. Allele origin: germline.

Illumina Laboratory Services, Illumina
Classification: Benign for Congenital stationary night blindness autosomal dominant 2. Last evaluated: 2018-01-15. Review status: criteria provided, single submitter. Criteria: ICSL Variant Classification Criteria 13 December 2019. Collection method: clinical testing. Allele origin: germline.
Comment: This variant was observed in the ICSL laboratory as part of a predisposition screen in an ostensibly healthy population. It had not been previously curated by ICSL or reported in the Human Gene Mutation Database (HGMD: prior to June 1st, 2018), and was therefore a candidate for classification through an automated scoring system. Utilizing variant allele frequency, disease prevalence and penetrance estimates, and inheritance mode, an automated score was calculated to assess if this variant is too frequent to cause the disease. Based on the score and internal cut-off values, a variant classified as benign is not then subjected to further curation. The score for this variant resulted in a classification of benign for this disease.

NM_000283.4(PDE6B):c.1703C>T (p.Thr568Met)

Gene: PDE6B (phosphodiesterase 6B; plus strand). Cytogenetic location: 4p16.3.
Variant type: single nucleotide variant.
Coding change: c.1703C>T on transcript NM_000283.4 (MANE Select); coding-DNA position 1703, C replaced by T.
Protein change: p.Thr568Met; replaces threonine 568 with methionine.
Molecular consequence: missense variant.
Genome position (GRCh38, 1-based): chr4:662,222, C>T. VCF-style: chr4-662222-C-T. GRCh37 (hg19) VCF-style: chr4-656011-C-T.
Other names: c.1703C>T, p.Thr568Met (NM_001145291.2); c.866C>T, p.Thr289Met (NM_001145292.2, NM_001350154.3, NM_001379246.1 and 1 more transcripts); c.548C>T, p.Thr183Met (NM_001350155.3); short protein forms T568M, T289M, T183M.
Identifiers: ClinVar variation 843645 (VCV000843645.13), dbSNP rs369980987, ClinGen allele CA2794637.